The following is an entry in ClinVar:

ClinVar aggregate classification (germline): Uncertain significance (1 of 4 stars; one submission).

Conditions:
Renal cell carcinoma. Identifiers: Orphanet 217071, MedGen C0007134, MeSH D002292, MONDO:0005086, HP:0005584.

Submission:

Labcorp Genetics (formerly Invitae), Labcorp
Classification: Uncertain significance for Renal cell carcinoma. Last evaluated: 2023-03-10. Review status: criteria provided, single submitter. Criteria: Invitae Variant Classification Sherloc (09022015). Collection method: clinical testing. Allele origin: germline.
Comment: This variant is not present in population databases (gnomAD no frequency). This variant has not been reported in the literature in individuals affected with MET-related conditions. Advanced modeling of protein sequence and biophysical properties (such as structural, functional, and spatial information, amino acid conservation, physicochemical variation, residue mobility, and thermodynamic stability) has been performed at Invitae for this missense variant, however the output from this modeling did not meet the statistical confidence thresholds required to predict the impact of this variant on MET protein function. In summary, the available evidence is currently insufficient to determine the role of this variant in disease. Therefore, it has been classified as a Variant of Uncertain Significance. This sequence change replaces valine, which is neutral and non-polar, with alanine, which is neutral and non-polar, at codon 1139 of the MET protein (p.Val1139Ala).

NM_000245.4(MET):c.3362T>C (p.Val1121Ala)

Gene: MET (MET proto-oncogene, receptor tyrosine kinase; plus strand). Cytogenetic location: 7q31.2.
Variant type: single nucleotide variant.
Coding change: c.3362T>C on transcript NM_000245.4 (MANE Select); coding-DNA position 3362, T replaced by C.
Protein change: p.Val1121Ala; replaces valine 1121 with alanine.
Molecular consequence: missense variant.
Genome position (GRCh38, 1-based): chr7:116,778,797, T>C. VCF-style: chr7-116778797-T-C. GRCh37 (hg19) VCF-style: chr7-116418851-T-C.
Other names: c.3416T>C, p.Val1139Ala (NM_001127500.3); c.2072T>C, p.Val691Ala (NM_001324402.2); short protein forms V691A, V1139A, V1121A.
Identifiers: ClinVar variation 2842773 (VCV002842773.3), dbSNP rs2117045072, ClinGen allele CA368989987.
Genomic context (GRCh38, chr7:116,778,797, plus strand): 5'-CCATAATGAAGTTAATGTCTCCACCACTGGATTTCTCAGGAATCACTGACATAGGAGAAG[T>C]TTCCCAATTTCTGACCGAGGGAATCATCATGAAAGATTTTAGTCATCCCAATGTCCTCTC-3'
Protein context (NP_000236.2, residues 1111-1131): SLNRITDIGE[Val1121Ala]SQFLTEGIIM